The following continues an entry in ClinVar:

NM_024675.4(PALB2):c.3116del (p.Asn1039fs)

Gene: PALB2. ClinVar aggregate classification (germline): Pathogenic/Likely pathogenic. Pathogenic (21); Likely pathogenic (1).

Submissions 10 to 27 of 27:

Color Diagnostics, LLC DBA Color Health
Classification: Pathogenic for Hereditary cancer-predisposing syndrome. Last evaluated: 2024-02-13. Review status: criteria provided, single submitter. Criteria: ACMG Guidelines, 2015. Collection method: clinical testing. Allele origin: germline.
Comment: This variant changes 1 nucleotide in exon 11 of the PALB2 gene, creating a premature translation stop signal. This variant is expected to result in an absent or non-functional protein product. To our knowledge, functional studies have not been reported for this variant. This variant has been detected in at least 12 individuals affected with breast cancer (PMID: 17200668, 25452441, 26283626, 33471991, 34113003; Leiden Open Variation Database DB-ID PALB2_000014), and two individuals affected with pancreatic, prostate and stomach cancer (PMID: 19264984, 26845104), and in at least 4 unaffected individuals (PMID: 26283626, 33471991; Leiden Open Variation Database DB-ID PALB2_000014). This variant also has been reported in a compound heterozygous carrier with a second PALB2 truncation variation who is affected with Fanconi anemia (PMID: 17200671). This variant has been identified in 3/249950 chromosomes in the general population by the Genome Aggregation Database (gnomAD). Loss of PALB2 function is a known mechanism of disease. Based on the available evidence, this variant is classified as Pathogenic.

Baylor Genetics
Classification: Pathogenic for Familial cancer of breast. Last evaluated: 2024-02-05. Review status: criteria provided, single submitter. Criteria: ACMG Guidelines, 2015. Collection method: clinical testing. Allele origin: unknown.

Women's Health and Genetics/Laboratory Corporation of America, LabCorp
Classification: Pathogenic for Hereditary breast ovarian cancer syndrome. Last evaluated: 2023-05-11. Review status: criteria provided, single submitter. Criteria: LabCorp Variant Classification Summary - May 2015. Collection method: clinical testing. Allele origin: germline.
Comment: Variant summary: PALB2 c.3116delA (p.Asn1039IlefsX2) results in a premature termination codon, predicted to cause a truncation of the encoded protein or absence of the protein due to nonsense mediated decay, which are commonly known mechanisms for disease. The variant allele was found at a frequency of 1.2e-05 in 249950 control chromosomes. c.3116delA has been reported in the literature as a biallelic genotype in at least one individual affected with Fanconi Anemia and childhood cancer and in the heterozygous state in multiple individuals affected with breast cancer (e.g. Reid_2007, Antoniou_2014). These data indicate that the variant is very likely to be associated with disease. The following publications have been ascertained in the context of this evaluation (PMID: 25099575, 17200671). Fifteen submitters have provided clinical-significance assessments for this variant to ClinVar after 2014 and all classified the variant as pathogenic (n=14)/likely pathogenic(n=1). Based on the evidence outlined above, the variant was classified as pathogenic.

Myriad Genetics, Inc.
Classification: Pathogenic for Familial cancer of breast. Last evaluated: 2023-03-31. Review status: criteria provided, single submitter. Criteria: Myriad Autosomal Dominant, Autosomal Recessive and X-Linked Classification Criteria (2023). Collection method: clinical testing. Allele origin: unknown.
Comment: This variant is considered pathogenic. This variant creates a frameshift predicted to result in premature protein truncation.

GeneDx
Classification: Pathogenic. Last evaluated: 2022-02-09. Review status: criteria provided, single submitter. Criteria: GeneDx Variant Classification Process June 2021. Collection method: clinical testing. Allele origin: germline. Affected: yes.
Comment: Observed in individuals with PALB2-related cancers (Rahman 2007, Jones 2009, Slater 2010, Antoniou 2014, Thompson 2015); Frameshift variant predicted to result in protein truncation or nonsense mediated decay in a gene for which loss-of-function is a known mechanism of disease; Not observed at significant frequency in large population cohorts (gnomAD); This variant is associated with the following publications: (PMID: 18302019, 20858716, 17200668, 19264984, 20412113, 25099575, 25452441, 26283626, 23935381, 21618343, 21165770, 19763819, 21932393, 23935836, 27595995, 26845104, 28454591, 26786923, 28779002, 29909963, 34113003, 32853339, 32885271, 32581362, 32832836, 31447099, 17200671)

Sema4
Classification: Pathogenic for Hereditary cancer-predisposing syndrome. Last evaluated: 2022-01-30. Review status: criteria provided, single submitter. Criteria: Sema4 Curation Guidelines. Collection method: curation. Allele origin: germline.
Comment: The PALB2 c.3116delA (p.N1039IfsX2) variant has been reported in heterozygosity in multiple individuals with pancreatic and breast cancer (PMID: 20412113, 17200668, among others). It has been reported in a large case-control study of breast cancer in 12/60466 cases and 4/53461 controls (PMID: 33471991) and in case-control study with breast cancer in 1/1996 cases and in 1/1998 controls (PMID: 26283626). This variant causes a frameshift at amino acid 1039 that results in premature termination 2 amino acids downstream. At this location, this variant is predicted to cause loss of normal protein function either through protein truncation or nonsense-mediated mRNA decay. Loss of function of the PALB2 gene is an established disease mechanism (PMID: 17200668). This variant was observed in 3/112938 chromosomes in the Non-Finnish European population, according to the Genome Aggregation Database (PMID: 32461654). This variant has been reported in ClinVar (Variation ID: 126715). Based on the current evidence available, this variant is interpreted as pathogenic.

CHEO Genetics Diagnostic Laboratory, Children's Hospital of Eastern Ontario
Classification: Pathogenic for Breast and/or ovarian cancer. Last evaluated: 2021-11-26. Review status: criteria provided, single submitter. Criteria: ACMG Guidelines, 2015. Collection method: clinical testing. Allele origin: germline.

Fulgent Genetics
Classification: Pathogenic for Familial cancer of breast; Fanconi anemia complementation group N; Pancreatic cancer, susceptibility to, 3. Last evaluated: 2021-08-17. Review status: criteria provided, single submitter. Criteria: ACMG Guidelines, 2015. Collection method: clinical testing. Allele origin: unknown.

Genetics and Molecular Pathology, SA Pathology
Classification: Pathogenic for Familial cancer of breast. Last evaluated: 2020-04-27. Review status: criteria provided, single submitter. Criteria: ACMG Guidelines, 2015. Collection method: clinical testing. Allele origin: germline. Inheritance: Autosomal dominant inheritance. Affected: yes.

Division of Medical Genetics, University of Washington
Classification: Pathogenic for Familial cancer of breast. Last evaluated: 2020-01-22. Review status: criteria provided, single submitter. Criteria: ACMG Guidelines, 2015. Collection method: clinical testing. Allele origin: germline. Affected: no. Study: CSER_CHARM.
Comment: This variant leads to a translational frameshift and the introduction of a premature termination codon at position 2 of the new reading frame. The variant transcript is predicted to be unstable and degraded by nonsense-mediated decay. Loss of expression of one allele of PALB2 is a well-established mechanism of disease for increased breast cancer risk (Rahman 2007, Janatova 2013, Antoniou 2014). This variant has an allele frequency of 0.00001 in the Broad Institute gnomAD Browser. This variant has been reported in the literature in individuals with Fanconi anemia, as well as individuals with breast cancer and pancreatic cancer (Reid 2007, Rahman 2007, Jones 2009, Slater 2010, Couch 2015, Shirts 2016). Thus, this variant is interpreted as pathogenic. PM2; PVS1

Academic Department of Medical Genetics, University of Cambridge
Classification: Pathogenic for Hereditary cancer-predisposing syndrome. Last evaluated: 2018-01-26. Review status: criteria provided, single submitter. Criteria: ACMG Guidelines, 2015. Collection method: research. Allele origin: germline. Affected: yes. Observed: 1 heterozygote.
Comment: Application of AMCG guidelines 2015. Used other ClinVar submission evidence where relevant. Loss of heterozygosity in tumours or immunohistochemistry abnormalities considered functional evidence of pathogenicity.

Identified as part of research study of individuals with multiple primary tumours referred for genetic assessment

University of Washington Department of Laboratory Medicine, University of Washington
Classification: Pathogenic for Hereditary cancer-predisposing syndrome. Last evaluated: 2015-11-20. Review status: criteria provided, single submitter. Criteria: Shirts et al. (Genet Med 2016). Collection method: clinical testing. Allele origin: germline. Observed: 1 variant allele.

Cancer Genetics Laboratory, Peter MacCallum Cancer Centre
Classification: Likely pathogenic for Familial cancer of breast. Last evaluated: 2015-06-01. Review status: criteria provided, single submitter. Criteria: Thompson et al. (Breast Cancer Res. 2015). Collection method: case-control. Allele origin: germline. Affected: yes and no. Observed: 2 variant alleles, 2 heterozygotes.

Leiden Open Variation Database
Classification: Pathogenic. Last evaluated: 2019-05-13. Review status: no assertion criteria provided. Collection method: curation. Allele origin: germline. Affected: yes. Not counted in ClinVar's aggregate classification.
Comment: Curators: Marc Tischkowitz, Arleen D. Auerbach. Submitters to LOVD: Arleen D. Auerbach, LOVD-team, but with Curator vacancy, Marc Tischkowitz.

Counsyl
Classification: Pathogenic for Familial cancer of breast. Last evaluated: 2016-06-21. Review status: no assertion criteria provided. Collection method: clinical testing. Allele origin: unknown. Not counted in ClinVar's aggregate classification.

OMIM
Classification: Pathogenic for FANCONI ANEMIA, COMPLEMENTATION GROUP N. Last evaluated: 2009-04-10. Review status: no assertion criteria provided. Collection method: literature only. Allele origin: germline. Not counted in ClinVar's aggregate classification.

OMIM
Classification: risk factor for BREAST-OVARIAN CANCER, FAMILIAL, SUSCEPTIBILITY TO, 5. Last evaluated: 2009-04-10. Review status: no assertion criteria provided. Collection method: literature only. Allele origin: germline. Not counted in ClinVar's aggregate classification.

Department of Pathology and Laboratory Medicine, Sinai Health System
Classification: Pathogenic for Malignant tumor of breast. Review status: no assertion criteria provided. Collection method: clinical testing. Allele origin: unknown. Affected: yes. Study: The Canadian Open Genetics Repository (COGR). Not counted in ClinVar's aggregate classification.
Comment: The PALB2 p.Asn1039IlefsX2 variant was identified in 16 of 15604 proband chromosomes (frequency: 0.001) from individuals or families affected with Fanconi anemia, breast cancer, pancreatic cancer, and stomach cancer and was present in 1 of 3996 control chromosomes (frequency: 0.00025) from healthy individuals (Thompson_2015, Slater_2010, Reid_2007, Rahman_2007, Jones_2009, Zheng_2012, Southey_2013, Couch_2015, Shirts_2016, Antoniou_2014). The variant was also identified in the following databases: dbSNP (ID: rs180177133) as â€šÃ„ÃºWith Pathogenic alleleâ€šÃ„Ã¹, ClinVar and Clinvitae (13x as pathogenic by Ambry Genetics, Invitae, GeneDx, Color Geneomics, Counsyl, PALB2 database, OMIM and as likely pathogenic by Peter MacCallum Cancer Center) and Zhejiang Colon Cancer Database. The variant was not identified in the Cosmic, MutDB, or LOVD 3.0 databases. The variant was identified in control databases in 3 of 244820 chromosomes at a frequency of 0.000012 (Genome Aggregation Database Feb 27, 2017). It was observed in the European (Non-Finnish) population in 3 of 110928 chromosomes (freq: 0.000027), but not in other populations. Protein blot analysis of lymphoblastoid cells from individuals with biallelic PALB2 mutations has demonstrated that the mutation results in a null allele confirming its pathogenicity; this study has shown that biallelic pathogenic mutations in PALB2 in affected families cause a new subtype of Fanconi anemia and cancer in early childhood (Reid_2007). The c.3116delA variant is predicted to cause a frameshift, which alters the protein's amino acid sequence beginning at codon 1039 and leads to a premature stop codon 2 codons downstream. This alteration is then predicted to result in a truncated or absent protein and loss of function. Loss of function variants of the PALB2 gene are an established mechanism of disease in PALB2 related cancer and is the type of variant expected to cause the disorder. In summary, based on the above information this variant meets our laboratoryâ€šÃ„Ã´s criteria to be classified as pathogenic.

Literature cited by the submitters: PubMed 17200668 (cited by 8 submitters); PubMed 17200671 (cited by 7 submitters); PubMed 17200672 (cited by Labcorp Genetics (formerly Invitae), Labcorp); PubMed 24136930 (cited by Labcorp Genetics (formerly Invitae), Labcorp); PubMed 25099575 (cited by 4 submitters); PubMed 19264984 (cited by 6 submitters); PubMed 20412113 (cited by 4 submitters); PubMed 25452441 (cited by 5 submitters); PubMed 26845104 (cited by Labcorp Genetics (formerly Invitae), Labcorp and Color Diagnostics, LLC DBA Color Health); PubMed 32832836 (cited by Quest Diagnostics Nichols Institute San Juan Capistrano); PubMed 36744932 (cited by Quest Diagnostics Nichols Institute San Juan Capistrano); PubMed 36169650 (cited by Quest Diagnostics Nichols Institute San Juan Capistrano); PubMed 29922827 (cited by Quest Diagnostics Nichols Institute San Juan Capistrano); PubMed 34326862 (cited by Quest Diagnostics Nichols Institute San Juan Capistrano); PubMed 33471991 (cited by 3 submitters); PubMed 29909963 (cited by Quest Diagnostics Nichols Institute San Juan Capistrano); PubMed 26283626 (cited by 5 submitters); PubMed 32885271 (cited by Ambry Genetics); PubMed 33917078 (cited by Ambry Genetics); PubMed 34113003 (cited by Ambry Genetics and Color Diagnostics, LLC DBA Color Health); PubMed 18302019 (cited by Leiden Open Variation Database); PubMed 31841383 (cited by OMIM).